The following is an entry in ClinVar:

NM_024675.4(PALB2):c.2786A>T (p.Tyr929Phe)

Gene: PALB2 (partner and localizer of BRCA2; minus strand). Cytogenetic location: 16p12.2.
Variant type: single nucleotide variant.
Coding change: c.2786A>T on transcript NM_024675.4 (MANE Select); coding-DNA position 2786, A replaced by T.
Protein change: p.Tyr929Phe; replaces tyrosine 929 with phenylalanine.
Molecular consequence: missense variant.
Genome position (GRCh38, 1-based): chr16:23,624,057, T>A on the plus strand (A>T on the coding strand, the complement: PALB2 is on the minus strand). VCF-style: chr16-23624057-T-A. GRCh37 (hg19) VCF-style: chr16-23635378-T-A.
Other names: c.2726A>T, p.Tyr909Phe (NM_001407296.1); c.2714A>T, p.Tyr905Phe (NM_001407297.1); c.2624A>T, p.Tyr875Phe (NM_001407298.1, NM_001407302.1); c.2786A>T, p.Tyr929Phe (NM_001407299.1, NM_001407300.1, NM_001407301.1); c.1901A>T, p.Tyr634Phe (NM_001407304.1, NM_001407305.1, NM_001407306.1 and 4 more transcripts); c.1739A>T, p.Tyr580Phe (NM_001407307.1); c.998A>T, p.Tyr333Phe (NM_001407312.1, NM_001407313.1); c.320A>T, p.Tyr107Phe (NM_001407314.1); short protein forms Y333F, Y875F, Y107F, Y580F, Y905F, Y929F, Y634F, Y909F.
Identifiers: ClinVar variation 1795982 (VCV001795982.3), dbSNP rs1249404804, ClinGen allele CA395145068.

ClinVar aggregate classification (germline): Uncertain significance (1 of 4 stars; one submission).

Conditions:
Hereditary cancer-predisposing syndrome. Also called: Tumor predisposition; Hereditary Cancer Syndrome; Neoplastic Syndromes, Hereditary; Hereditary neoplastic syndrome. Identifiers: Orphanet 140162, MedGen C0027672, MeSH D009386, MONDO:0015356.

Allele frequency attached by ClinVar (database versions not stated): gnomAD exomes below 0.00001; TOPMed below 0.00001; gnomAD 0.00001.
gnomAD v4.1: 3 of 1,608,286 alleles (0.00019%); highest among the groups gnomAD compares: African/African-American, 0.0013%; no homozygotes.

Submission:

Ambry Genetics
Classification: Uncertain significance for Hereditary cancer-predisposing syndrome. Last evaluated: 2024-09-06. Review status: criteria provided, single submitter. Criteria: Ambry Variant Classification Scheme 2023. Collection method: clinical testing. Allele origin: germline.
Comment: The p.Y929F variant (also known as c.2786A>T), located in coding exon 8 of the PALB2 gene, results from an A to T substitution at nucleotide position 2786. The tyrosine at codon 929 is replaced by phenylalanine, an amino acid with highly similar properties. This amino acid position is poorly conserved in available vertebrate species. In addition, this alteration is predicted to be tolerated by in silico analysis. Since supporting evidence is limited at this time, the clinical significance of this alteration remains unclear.